The following is an entry in ClinVar:

ClinVar aggregate classification (germline): Likely benign (0 of 4 stars; one submission).

Conditions:
PCNT-related disorder. Also called: PCNT-related condition.

gnomAD v4.1: 1 of 1,578,880 alleles (0.000063%); highest among the groups gnomAD compares: Non-Finnish European, 0.000087%; no homozygotes.

Submission:

PreventionGenetics, part of Exact Sciences
Classification: Likely benign for PCNT-related condition. Last evaluated: 2022-08-04. Review status: no assertion criteria provided. Collection method: clinical testing. Allele origin: germline.
Comment: This variant is classified as likely benign based on ACMG/AMP sequence variant interpretation guidelines (Richards et al. 2015 PMID: 25741868, with internal and published modifications).

NM_006031.6(PCNT):c.429T>A (p.Arg143=)

Gene: PCNT (pericentrin; plus strand). Cytogenetic location: 21q22.3.
Variant type: single nucleotide variant.
Coding change: c.429T>A on transcript NM_006031.6 (MANE Select); coding-DNA position 429, T replaced by A.
Protein change: p.Arg143=; no amino-acid change (arginine 143 retained).
Molecular consequence: synonymous variant.
Genome position (GRCh38, 1-based): chr21:46,334,558, T>A. VCF-style: chr21-46334558-T-A. GRCh37 (hg19) VCF-style: chr21-47754472-T-A.
Other names: c.75T>A, p.Arg25= (NM_001315529.2).
Identifiers: ClinVar variation 3353768 (VCV003353768.1).